The following is an entry in ClinVar:

ClinVar aggregate classification (germline): Uncertain significance. Review status: criteria provided, multiple submitters, no conflicts (2 of 4 stars). 4 submissions from 4 submitters: Uncertain significance (4). Last evaluated 2025-11-18.

Conditions:
Wolfram syndrome 1 (WFS1). Identifiers: Orphanet 3463, MedGen C4551693, MONDO:0009101, OMIM 222300.

Allele frequency attached by ClinVar (database versions not stated): gnomAD 0.00003; TOPMed 0.00004.
gnomAD v4.1: 29 of 1,581,258 alleles (0.0018%); highest among the groups gnomAD compares: African/African-American, 0.0067%; no homozygotes.

Submissions (4):

Labcorp Genetics (formerly Invitae), Labcorp
Classification: Uncertain significance. Last evaluated: 2025-11-18. Review status: criteria provided, single submitter. Criteria: Invitae Variant Classification Sherloc (09022015). Collection method: clinical testing. Allele origin: germline.
Comment: This sequence change replaces glycine, which is neutral and non-polar, with arginine, which is basic and polar, at codon 45 of the WFS1 protein (p.Gly45Arg). The frequency data for this variant in the population databases is considered unreliable, as metrics indicate poor data quality at this position in the gnomAD database. This variant has not been reported in the literature in individuals affected with WFS1-related conditions. ClinVar contains an entry for this variant (Variation ID: 805752). Invitae Evidence Modeling of protein sequence and biophysical properties (such as structural, functional, and spatial information, amino acid conservation, physicochemical variation, residue mobility, and thermodynamic stability) indicates that this missense variant is not expected to disrupt WFS1 protein function with a negative predictive value of 95%. In summary, the available evidence is currently insufficient to determine the role of this variant in disease. Therefore, it has been classified as a Variant of Uncertain Significance.

Athena Diagnostics
Classification: Uncertain significance. Last evaluated: 2025-05-02. Review status: criteria provided, single submitter. Criteria: Athena Diagnostics Criteria. Collection method: clinical testing. Allele origin: unknown.
Comment: Available data are insufficient to determine the clinical significance of the variant at this time. The frequency of this variant in the general population is uninformative in assessment of its pathogenicity. Polyphen and MutationTaster predict this amino acid change may be benign.

GeneDx
Classification: Uncertain significance. Last evaluated: 2023-11-16. Review status: criteria provided, single submitter. Criteria: GeneDx Variant Classification Process June 2021. Collection method: clinical testing. Allele origin: germline. Affected: yes.
Comment: In silico analysis supports that this missense variant does not alter protein structure/function; Has not been previously published as pathogenic or benign to our knowledge

Clinical Genomics, Uppaluri K&H Personalized Medicine Clinic
Classification: Uncertain significance for Wolfram syndrome 1. Review status: criteria provided, single submitter. Criteria: K & H Uppaluri Personalized Medicine Clinic Variant Classification & Assertion Criteria_Updated V.1. Collection method: research. Allele origin: unknown. Inheritance: Autosomal recessive inheritance.
Comment: Potent mutations in WFS1 gene are associated with Wolfram's syndrome, an autosomal recessive condition, which cause diabetes mellitus, diabetes insipidus, deafness and optic atrophy. However no sufficient evidence is found to ascertain the role of this particular variant rs1014892217 in Wolfram's syndrome yet.

Literature cited by the submitters: PubMed 20738327 (cited by Clinical Genomics, Uppaluri K&H Personalized Medicine Clinic); PubMed 33879153 (cited by Clinical Genomics, Uppaluri K&H Personalized Medicine Clinic); PubMed 12955714 (cited by Clinical Genomics, Uppaluri K&H Personalized Medicine Clinic); PubMed 18060660 (cited by Clinical Genomics, Uppaluri K&H Personalized Medicine Clinic); PubMed 20301750 (cited by Clinical Genomics, Uppaluri K&H Personalized Medicine Clinic); PubMed 17603484 (cited by Clinical Genomics, Uppaluri K&H Personalized Medicine Clinic).

NM_006005.3(WFS1):c.133G>A (p.Gly45Arg)

Gene: WFS1 (wolframin ER transmembrane glycoprotein; plus strand). Cytogenetic location: 4p16.1.
Variant type: single nucleotide variant.
Coding change: c.133G>A on transcript NM_006005.3 (MANE Select); coding-DNA position 133, G replaced by A.
Protein change: p.Gly45Arg; replaces glycine 45 with arginine.
Molecular consequence: missense variant.
Genome position (GRCh38, 1-based): chr4:6,277,588, G>A. VCF-style: chr4-6277588-G-A. GRCh37 (hg19) VCF-style: chr4-6279315-G-A.
Other names: c.133G>A, p.Gly45Arg (NM_001145853.1); short protein forms G45R.
Identifiers: ClinVar variation 805752 (VCV000805752.10), dbSNP rs1014892217, ClinGen allele CA91787424.